The following is an entry in ClinVar:

ClinVar aggregate classification (germline): Likely pathogenic (1 of 4 stars; one submission).

Conditions:
Thrombocytopenia 1. Also called: THROMBOCYTOPENIA, X-LINKED, 1; X-Linked Thrombocytopenia (XLT); X-linked thrombocytopenia with normal platelets. Identifiers: Orphanet 268322, Orphanet 852, MedGen C1839163, MONDO:0010743, OMIM 313900.
Wiskott-Aldrich syndrome (WAS). Also called: ALDRICH SYNDROME; IMMUNODEFICIENCY 2; WISKOTT-ALDRICH SYNDROME 1; Wiskott-aldrich syndrome, somatic. Identifiers: Orphanet 906, MedGen C0043194, MONDO:0010518, OMIM 301000.
X-linked severe congenital neutropenia (SCNX). Identifiers: Orphanet 86788, MedGen C1845987, MONDO:0010294, OMIM 300299.

Submission:

Labcorp Genetics (formerly Invitae), Labcorp
Classification: Likely pathogenic for Wiskott-Aldrich syndrome; X-linked severe congenital neutropenia; Thrombocytopenia 1. Last evaluated: 2024-09-27. Review status: criteria provided, single submitter. Criteria: Invitae Variant Classification Sherloc (09022015). Collection method: clinical testing. Allele origin: germline.
Comment: This sequence change replaces glycine, which is neutral and non-polar, with valine, which is neutral and non-polar, at codon 70 of the WAS protein (p.Gly70Val). This variant is not present in population databases (gnomAD no frequency). This variant has not been reported in the literature in individuals affected with WAS-related conditions. Invitae Evidence Modeling of protein sequence and biophysical properties (such as structural, functional, and spatial information, amino acid conservation, physicochemical variation, residue mobility, and thermodynamic stability) indicates that this missense variant is expected to disrupt WAS protein function with a positive predictive value of 95%. This variant disrupts the p.Gly70 amino acid residue in WAS. Other variant(s) that disrupt this residue have been observed in individuals with WAS-related conditions (PMID: 11793485, 23264413, 32812413), which suggests that this may be a clinically significant amino acid residue. In summary, the currently available evidence indicates that the variant is pathogenic, but additional data are needed to prove that conclusively. Therefore, this variant has been classified as Likely Pathogenic.

Literature cited by the submitters: PubMed 11793485; PubMed 23264413; PubMed 32812413.

NM_000377.3(WAS):c.209G>T (p.Gly70Val)

Gene: WAS (WASP actin nucleation promoting factor; plus strand). Cytogenetic location: Xp11.23.
Variant type: single nucleotide variant.
Coding change: c.209G>T on transcript NM_000377.3 (MANE Select); coding-DNA position 209, G replaced by T.
Protein change: p.Gly70Val; replaces glycine 70 with valine.
Molecular consequence: missense variant.
Genome position (GRCh38, 1-based): chrX:48,684,359, G>T. VCF-style: chrX-48684359-G-T. GRCh37 (hg19) VCF-style: chrX-48542748-G-T.
Other names: short protein forms G70V.
Identifiers: ClinVar variation 3757983 (VCV003757983.2).